The following is an entry in ClinVar:

ClinVar aggregate classification (germline): Uncertain significance (1 of 4 stars; one submission).

Submission:

GeneDx
Classification: Uncertain significance. Last evaluated: 2023-11-08. Review status: criteria provided, single submitter. Criteria: GeneDx Variant Classification Process June 2021. Collection method: clinical testing. Allele origin: germline. Affected: yes.
Comment: Not observed at significant frequency in large population cohorts (gnomAD); In silico analysis supports that this missense variant does not alter protein structure/function; Has not been previously published as pathogenic or benign to our knowledge

NM_002691.4(POLD1):c.247A>G (p.Thr83Ala)

Gene: POLD1 (DNA polymerase delta 1, catalytic subunit; plus strand). Cytogenetic location: 19q13.33.
Variant type: single nucleotide variant.
Coding change: c.247A>G on transcript NM_002691.4 (MANE Select); coding-DNA position 247, A replaced by G.
Protein change: p.Thr83Ala; replaces threonine 83 with alanine.
Molecular consequence: missense variant. On other transcripts: non-coding transcript variant (1).
Genome position (GRCh38, 1-based): chr19:50,399,415, A>G. VCF-style: chr19-50399415-A-G. GRCh37 (hg19) VCF-style: chr19-50902672-A-G.
Other names: c.247A>G, p.Thr83Ala (NM_001256849.1, NM_001308632.1); short protein forms T83A.
Identifiers: ClinVar variation 3364064 (VCV003364064.1).